The following is an entry in ClinVar:

NM_002180.3(IGHMBP2):c.1511A>G (p.Glu504Gly)

Gene: IGHMBP2 (immunoglobulin mu DNA binding protein 2; plus strand). Cytogenetic location: 11q13.3.
Variant type: single nucleotide variant.
Coding change: c.1511A>G on transcript NM_002180.3 (MANE Select); coding-DNA position 1511, A replaced by G.
Protein change: p.Glu504Gly; replaces glutamic acid 504 with glycine.
Molecular consequence: missense variant.
Genome position (GRCh38, 1-based): chr11:68,933,887, A>G. VCF-style: chr11-68933887-A-G. GRCh37 (hg19) VCF-style: chr11-68701355-A-G.
Other names: short protein forms E504G.
Identifiers: ClinVar variation 2662942 (VCV002662942.1), dbSNP rs780426627, ClinGen allele CA6153671.
Genomic context (GRCh38, chr11:68,933,887, plus strand): 5'-CGGGTGTGCCCCTGCTCTTGGTGGACACCGCCGGCTGCGGGCTGTTTGAGCTGGAGGAGG[A>G]GGACGAACAGTCGAAAGGGAACCCTGGTGAGCTTGCTTGCAGATGGCCAGCTTTTTTGTT-3'
Protein context (NP_002171.2, residues 494-514): AGCGLFELEE[Glu504Gly]DEQSKGNPGE

ClinVar aggregate classification (germline): Uncertain significance (1 of 4 stars; one submission).

Allele frequency attached by ClinVar (database versions not stated): gnomAD exomes below 0.00001.
gnomAD v4.1: 1 of 1,599,566 alleles (0.000063%); highest among the groups gnomAD compares: African/African-American, 0.0013%; no homozygotes.

Submission:

GeneDx
Classification: Uncertain significance. Last evaluated: 2023-11-08. Review status: criteria provided, single submitter. Criteria: GeneDx Variant Classification Process June 2021. Collection method: clinical testing. Allele origin: germline. Affected: yes.
Comment: Not observed at significant frequency in large population cohorts (gnomAD); In silico analysis supports that this missense variant has a deleterious effect on protein structure/function; Has not been previously published as pathogenic or benign to our knowledge; This variant is associated with the following publications: (PMID: 24388491, 25439726, 22965130)